The following is an entry in ClinVar:

ClinVar aggregate classification (germline): Uncertain significance (1 of 4 stars; one submission).

Conditions:
Familial adenomatous polyposis 1 (FAP1). Also called: FAMILIAL ADENOMATOUS POLYPOSIS 1, ATTENUATED; POLYPOSIS, ADENOMATOUS INTESTINAL. Identifiers: MedGen C2713442, MONDO:0021056, OMIM 175100. Disease mechanism: loss of function.

Submission:

Labcorp Genetics (formerly Invitae), Labcorp
Classification: Uncertain significance for Familial adenomatous polyposis 1. Last evaluated: 2025-10-13. Review status: criteria provided, single submitter. Criteria: Invitae Variant Classification Sherloc (09022015). Collection method: clinical testing. Allele origin: germline.
Comment: This sequence change replaces glutamine, which is neutral and polar, with proline, which is neutral and non-polar, at codon 663 of the APC protein (p.Gln663Pro). This variant is not present in population databases (gnomAD no frequency). This variant has not been reported in the literature in individuals affected with APC-related conditions. Invitae Evidence Modeling of protein sequence and biophysical properties (such as structural, functional, and spatial information, amino acid conservation, physicochemical variation, residue mobility, and thermodynamic stability) indicates that this missense variant is not expected to disrupt APC protein function with a negative predictive value of 95%. In summary, the available evidence is currently insufficient to determine the role of this variant in disease. Therefore, it has been classified as a Variant of Uncertain Significance.

NM_000038.6(APC):c.1988A>C (p.Gln663Pro)

Gene: APC (APC regulator of Wnt signaling pathway; plus strand). Cytogenetic location: 5q22.2.
Variant type: single nucleotide variant.
Coding change: c.1988A>C on transcript NM_000038.6 (MANE Select); coding-DNA position 1988, A replaced by C.
Protein change: p.Gln663Pro; replaces glutamine 663 with proline.
Molecular consequence: missense variant. On other transcripts: non-coding transcript variant (2).
Genome position (GRCh38, 1-based): chr5:112,837,582, A>C. VCF-style: chr5-112837582-A-C. GRCh37 (hg19) VCF-style: chr5-112173279-A-C.
Other names: c.1988A>C, p.Gln663Pro (NM_001127510.3, NM_001354895.2, NM_001407450.1); c.1934A>C, p.Gln645Pro (NM_001127511.3); c.2042A>C, p.Gln681Pro (NM_001354896.2, NM_001407447.1, NM_001407448.1 and 1 more transcripts); c.2018A>C, p.Gln673Pro (NM_001354897.2); c.1913A>C, p.Gln638Pro (NM_001354898.2); c.1904A>C, p.Gln635Pro (NM_001354899.2); c.1865A>C, p.Gln622Pro (NM_001354900.2); c.1811A>C, p.Gln604Pro (NM_001354901.2, NM_001407453.1); and 11 more; short protein forms Q503P, Q534P, Q622P, Q635P, Q645P, Q537P, Q562P, Q604P.
Identifiers: ClinVar variation 4693657 (VCV004693657.1).
Genomic context (GRCh38, chr5:112,837,582, plus strand): 5'-TTAATTTTGTGATCTCTTGATTTTATTTCAGGCAAATCCTAAGAGAGAACAACTGTCTAC[A>C]AACTTTATTACAACACTTAAAATCTCATAGTTTGACAATAGTCAGTAATGCATGTGGAAC-3'
Protein context (NP_000029.2, residues 653-673): RQILRENNCL[Gln663Pro]TLLQHLKSHS